The following is an entry in ClinVar:

NM_000179.3(MSH6):c.1912C>T (p.Leu638Phe)

Gene: MSH6 (mutS homolog 6; plus strand). Cytogenetic location: 2p16.3.
Variant type: single nucleotide variant.
Coding change: c.1912C>T on transcript NM_000179.3 (MANE Select); coding-DNA position 1912, C replaced by T.
Protein change: p.Leu638Phe; replaces leucine 638 with phenylalanine.
Molecular consequence: missense variant.
Genome position (GRCh38, 1-based): chr2:47,799,895, C>T. VCF-style: chr2-47799895-C-T. GRCh37 (hg19) VCF-style: chr2-48027034-C-T.
Other names: c.1522C>T, p.Leu508Phe (NM_001281492.2); c.1006C>T, p.Leu336Phe (NM_001281493.2, NM_001281494.2, NM_001406811.1 and 6 more transcripts); c.2008C>T, p.Leu670Phe (NM_001406795.1, NM_001406802.1); c.1912C>T, p.Leu638Phe (NM_001406796.1, NM_001406798.1, NM_001406800.1 and 3 more transcripts); c.1615C>T, p.Leu539Phe (NM_001406797.1, NM_001406801.1, NM_001406805.1 and 10 more transcripts); c.1387C>T, p.Leu463Phe (NM_001406799.1, NM_001406806.1, NM_001406807.1); c.1834C>T, p.Leu612Phe (NM_001406804.1); c.1918C>T, p.Leu640Phe (NM_001406813.1); and 1 more; short protein forms L612F, L670F, L336F, L463F, L508F, L640F, L539F, L582F.
Identifiers: ClinVar variation 1782524 (VCV001782524.3), dbSNP rs1303026707, ClinGen allele CA346750193.

ClinVar aggregate classification (germline): Uncertain significance (1 of 4 stars; one submission).

Conditions:
Hereditary cancer-predisposing syndrome. Also called: Neoplastic Syndromes, Hereditary; Tumor predisposition; Hereditary Cancer Syndrome; Hereditary neoplastic syndrome. Identifiers: Orphanet 140162, MedGen C0027672, MeSH D009386, MONDO:0015356.

gnomAD v4.1: 1 of 1,614,104 alleles (0.000062%); highest among the groups gnomAD compares: Non-Finnish European, 0.000085%; no homozygotes.

Submission:

Ambry Genetics
Classification: Uncertain significance for Hereditary cancer-predisposing syndrome. Last evaluated: 2025-01-17. Review status: criteria provided, single submitter. Criteria: Ambry Variant Classification Scheme 2023. Collection method: clinical testing. Allele origin: germline.
Comment: The p.L638F variant (also known as c.1912C>T), located in coding exon 4 of the MSH6 gene, results from a C to T substitution at nucleotide position 1912. The leucine at codon 638 is replaced by phenylalanine, an amino acid with highly similar properties. This amino acid position is not well conserved in available vertebrate species. In addition, the in silico prediction for this alteration is inconclusive. Based on the available evidence, the clinical significance of this variant remains unclear.